The following is an entry in ClinVar:

NM_005861.4(STUB1):c.722G>C (p.Arg241Pro)

Genes: JMJD8 (jumonji domain containing 8; minus strand), STUB1 (STIP1 homology and U-box containing protein 1; plus strand). Cytogenetic location: 16p13.3.
Variant type: single nucleotide variant.
Coding change: c.722G>C on transcript NM_005861.4 (MANE Select); coding-DNA position 722, G replaced by C.
Protein change: p.Arg241Pro; replaces arginine 241 with proline.
Molecular consequence: missense variant. On other transcripts: 3 prime UTR variant (5), non-coding transcript variant (3).
Genome position (GRCh38, 1-based): chr16:682,217, G>C. VCF-style: chr16-682217-G-C. GRCh37 (hg19) VCF-style: chr16-732217-G-C.
Other names: c.506G>C, p.Arg169Pro (NM_001293197.2); c.*577C>G (NM_001005920.4, NM_001323919.3, NM_001323920.3); c.*611C>G (NM_001323918.3, NM_001323922.3); short protein forms R169P, R241P.
Identifiers: ClinVar variation 3343961 (VCV003343961.1).
Genomic context (GRCh38, chr16:682,217, plus strand): 5'-TGCCACAGAAGCGAGACATCCCCGACTACCTGTGTGGCAAGATCAGCTTTGAGCTGATGC[G>C]GGAGCCGTGCATCACGCCCAGTGGCATCACCTACGACCGCAAGGACATCGAGGAGCACCT-3'
Protein context (NP_005852.2, residues 231-251): LCGKISFELM[Arg241Pro]EPCITPSGIT

ClinVar aggregate classification (germline): Uncertain significance (1 of 4 stars; one submission).

gnomAD v4.1: 1 of 1,612,980 alleles (0.000062%); highest among the groups gnomAD compares: Non-Finnish European, 0.000085%; no homozygotes.

Submission:

GeneDx
Classification: Uncertain significance. Last evaluated: 2023-12-06. Review status: criteria provided, single submitter. Criteria: GeneDx Variant Classification Process June 2021. Collection method: clinical testing. Allele origin: germline. Affected: yes.
Comment: Reported previously in a patient who harbored a second variant (phase unknown); however, no clinical information was provided (PMID: 33726816); Not observed at significant frequency in large population cohorts (gnomAD); In silico analysis supports that this missense variant has a deleterious effect on protein structure/function; This variant is associated with the following publications: (PMID: 33726816)